The following is an entry in ClinVar:

ClinVar aggregate classification (germline): Likely benign. Review status: criteria provided, multiple submitters, no conflicts (2 of 4 stars). 2 submissions from 2 submitters: Likely benign (2). Last evaluated 2026-05-01.

Conditions:
Creatine transporter deficiency (CCDS1). Also called: CREATINE TRANSPORTER DEFECT; Creatine Transporter (CRTR) Deficiency; CEREBRAL CREATINE DEFICIENCY SYNDROME 1; Mental retardation , X-linked with seizures, short stature and midface hypoplasia; Mental retardation , X-linked, with creatine transport deficiency; X-linked creatine transporter deficiency. Identifiers: Orphanet 52503, MedGen C1845862, MONDO:0010305, OMIM 300352.

Allele frequency attached by ClinVar (database versions not stated): TOPMed 0.00003; gnomAD exomes 0.00004; ExAC 0.00007.
gnomAD v4.1: 38 of 1,160,068 alleles (0.0033%); highest among the groups gnomAD compares: South Asian, 0.017%; no homozygotes.

Submissions (2):

CeGaT Center for Human Genetics Tuebingen
Classification: Likely benign. Last evaluated: 2026-05-01. Review status: criteria provided, single submitter. Criteria: CeGaT Center For Human Genetics Tuebingen Variant Classification Criteria Version 2. Collection method: clinical testing. Allele origin: germline. Affected: yes. Observed: 1 variant allele.
Comment: SLC6A8: BP4, BP7, BS2

Labcorp Genetics (formerly Invitae), Labcorp
Classification: Likely benign for Creatine transporter deficiency. Last evaluated: 2025-08-20. Review status: criteria provided, single submitter. Criteria: Invitae Variant Classification Sherloc (09022015). Collection method: clinical testing. Allele origin: germline.

NM_005629.4(SLC6A8):c.1146G>A (p.Pro382=)

Gene: SLC6A8 (solute carrier family 6 member 8; plus strand). Cytogenetic location: Xq28.
Variant type: single nucleotide variant.
Coding change: c.1146G>A on transcript NM_005629.4 (MANE Select); coding-DNA position 1146, G replaced by A.
Protein change: p.Pro382=; no amino-acid change (proline 382 retained).
Molecular consequence: synonymous variant.
Genome position (GRCh38, 1-based): chrX:153,693,909, G>A. VCF-style: chrX-153693909-G-A. GRCh37 (hg19) VCF-style: chrX-152959364-G-A.
Other names: c.1116G>A, p.Pro372= (NM_001142805.2); c.801G>A, p.Pro267= (NM_001142806.1).
Identifiers: ClinVar variation 465140 (VCV000465140.13), dbSNP rs782627741, ClinGen allele CA10549439.
Genomic context (GRCh38, chrX:153,693,909, plus strand): 5'-GTGCGCACAGGGCAGGACATCGGCTACAAGGTCTAGAGCCTGCACCTTTCCCACAGGGCC[G>A]GGCCTGGCCTTCATCGCCTACCCGCGGGCTGTCACGCTGATGCCAGTGGCCCCACTCTGG-3'
Protein context (NP_005620.1, residues 372-392): VHISKVAESG[Pro382=]GLAFIAYPRA